The following is an entry in ClinVar:

ClinVar aggregate classification (germline): Conflicting classifications of pathogenicity. Review status: criteria provided, conflicting classifications (1 of 4 stars). 3 submissions from 3 submitters: Uncertain significance (2); Likely benign (1). Last evaluated 2025-12-17.

Conditions:
Hereditary cancer-predisposing syndrome. Also called: Tumor predisposition; Hereditary Cancer Syndrome; Hereditary neoplastic syndrome; Neoplastic Syndromes, Hereditary. Identifiers: Orphanet 140162, MedGen C0027672, MeSH D009386, MONDO:0015356.
Intellectual disability, autosomal dominant 16 (CSS4). Also called: COFFIN-SIRIS SYNDROME 4. Identifiers: Orphanet 1465, MedGen C3553249, MONDO:0013821, OMIM 614609.
Rhabdoid tumor predisposition syndrome 2 (RTPS2). Identifiers: Orphanet 231108, Orphanet 69077, MedGen C2750074, MONDO:0013224, OMIM 613325.

Allele frequency attached by ClinVar (database versions not stated): gnomAD exomes below 0.00001; ExAC 0.00001; gnomAD 0.00001; 1000 Genomes Project 30x 0.00016; 1000 Genomes Project 0.00020.
gnomAD v4.1: 6 of 1,612,612 alleles (0.00037%); highest among the groups gnomAD compares: South Asian, 0.0066%; no homozygotes.

Submissions (3):

Ambry Genetics
Classification: Likely benign for Hereditary cancer-predisposing syndrome. Last evaluated: 2025-12-17. Review status: criteria provided, single submitter. Criteria: Ambry Variant Classification Scheme 2023. Collection method: clinical testing. Allele origin: germline.

Revvity Omics, Revvity
Classification: Uncertain significance for Intellectual disability, autosomal dominant 16. Last evaluated: 2025-05-02. Review status: criteria provided, single submitter. Criteria: ACMG Guidelines, 2015. Collection method: clinical testing. Allele origin: germline.

Labcorp Genetics (formerly Invitae), Labcorp
Classification: Uncertain significance for Rhabdoid tumor predisposition syndrome 2. Last evaluated: 2024-05-26. Review status: criteria provided, single submitter. Criteria: Invitae Variant Classification Sherloc (09022015). Collection method: clinical testing. Allele origin: germline.
Comment: This sequence change replaces aspartic acid, which is acidic and polar, with glutamic acid, which is acidic and polar, at codon 1464 of the SMARCA4 protein (p.Asp1464Glu). The frequency data for this variant in the population databases is considered unreliable, as metrics indicate poor data quality at this position in the gnomAD database. This variant has not been reported in the literature in individuals affected with SMARCA4-related conditions. ClinVar contains an entry for this variant (Variation ID: 1740237). Advanced modeling of protein sequence and biophysical properties (such as structural, functional, and spatial information, amino acid conservation, physicochemical variation, residue mobility, and thermodynamic stability) performed at Invitae indicates that this missense variant is not expected to disrupt SMARCA4 protein function with a negative predictive value of 95%. In summary, the available evidence is currently insufficient to determine the role of this variant in disease. Therefore, it has been classified as a Variant of Uncertain Significance.

NM_003072.5(SMARCA4):c.4296C>A (p.Asp1432Glu)

Gene: SMARCA4 (SWI/SNF related BAF chromatin remodeling complex subunit ATPase 4; plus strand). Cytogenetic location: 19p13.2.
Variant type: single nucleotide variant.
Coding change: c.4296C>A on transcript NM_003072.5 (MANE Select); coding-DNA position 4296, C replaced by A.
Protein change: p.Asp1432Glu; replaces aspartic acid 1432 with glutamic acid.
Molecular consequence: missense variant. On other transcripts: non-coding transcript variant (1).
Genome position (GRCh38, 1-based): chr19:11,041,432, C>A. VCF-style: chr19-11041432-C-A. GRCh37 (hg19) VCF-style: chr19-11152108-C-A.
Other names: c.4293C>A, p.Asp1431Glu (NM_001411150.1); c.4296C>A, p.Asp1432Glu (NM_001128844.3); c.4206C>A, p.Asp1402Glu (NM_001128845.2, NM_001128846.2); c.4197C>A, p.Asp1399Glu (NM_001128847.4, NM_001128848.2, NM_001374457.1); c.4392C>A, p.Asp1464Glu (NM_001128849.3, NM_001387283.1); c.4392C>A (NM_001128849.2); short protein forms D1431E, D1432E, D1399E, D1402E, D1464E.
Identifiers: ClinVar variation 1740237 (VCV001740237.6), dbSNP rs529400963, ClinGen allele CA9204695.